The following is an entry in ClinVar:

ClinVar aggregate classification (germline): Uncertain significance (1 of 4 stars; one submission).

Allele frequency attached by ClinVar (database versions not stated): gnomAD exomes below 0.00001.
gnomAD v4.1: 1 of 1,614,084 alleles (0.000062%); highest among the groups gnomAD compares: Non-Finnish European, 0.000085%; no homozygotes.

Submission:

Labcorp Genetics (formerly Invitae), Labcorp
Classification: Uncertain significance. Last evaluated: 2022-10-07. Review status: criteria provided, single submitter. Criteria: Invitae Variant Classification Sherloc (09022015). Collection method: clinical testing. Allele origin: germline.
Comment: This sequence change replaces glutamic acid, which is acidic and polar, with lysine, which is basic and polar, at codon 192 of the OAS1 protein (p.Glu192Lys). This variant is not present in population databases (gnomAD no frequency). This variant has not been reported in the literature in individuals affected with OAS1-related conditions. Algorithms developed to predict the effect of missense changes on protein structure and function are either unavailable or do not agree on the potential impact of this missense change (SIFT: "Not Available"; PolyPhen-2: "Probably Damaging"; Align-GVGD: "Not Available"). In summary, the available evidence is currently insufficient to determine the role of this variant in disease. Therefore, it has been classified as a Variant of Uncertain Significance.

NM_016816.4(OAS1):c.574G>A (p.Glu192Lys)

Gene: OAS1 (2'-5'-oligoadenylate synthetase 1; plus strand). Cytogenetic location: 12q24.13.
Variant type: single nucleotide variant.
Coding change: c.574G>A on transcript NM_016816.4 (MANE Select); coding-DNA position 574, G replaced by A.
Protein change: p.Glu192Lys; replaces glutamic acid 192 with lysine.
Molecular consequence: missense variant.
Genome position (GRCh38, 1-based): chr12:112,911,155, G>A. VCF-style: chr12-112911155-G-A. GRCh37 (hg19) VCF-style: chr12-113348960-G-A.
Other names: c.574G>A, p.Glu192Lys (NM_001032409.3, NM_001320151.2, NM_001406022.1 and 2 more transcripts); c.527G>A, p.Arg176Lys (NM_001406020.1, NM_001406021.1, NM_001406023.1 and 2 more transcripts); short protein forms E192K, R176K.
Identifiers: ClinVar variation 1968826 (VCV001968826.5), dbSNP rs2540955614, ClinGen allele CA386803304.
Genomic context (GRCh38, chr12:112,911,155, plus strand): 5'-AAGCTCATCGAGGAGTGCACCGACCTGCAGAAAGAGGGCGAGTTCTCCACCTGCTTCACA[G>A]AACTACAGAGAGACTTCCTGAAGCAGCGCCCCACCAAGCTCAAGAGCCTCATCCGCCTAG-3'
Protein context (NP_058132.2, residues 182-202): KEGEFSTCFT[Glu192Lys]LQRDFLKQRP